The following is an entry in ClinVar:

ClinVar aggregate classification (germline): Uncertain significance (1 of 4 stars; one submission).

Conditions:
Cardiovascular phenotype. Identifiers: MedGen CN230736.

Submission:

Ambry Genetics
Classification: Uncertain significance for Cardiovascular phenotype. Last evaluated: 2024-08-11. Review status: criteria provided, single submitter. Criteria: Ambry Variant Classification Scheme 2023. Collection method: clinical testing. Allele origin: germline.
Comment: The p.G306E variant (also known as c.917G>A), located in coding exon 7 of the LMF1 gene, results from a G to A substitution at nucleotide position 917. The glycine at codon 306 is replaced by glutamic acid, an amino acid with similar properties. This amino acid position is conserved. In addition, this alteration is predicted to be deleterious by in silico analysis. Based on the available evidence, the clinical significance of this variant remains unclear.

NM_022773.4(LMF1):c.917G>A (p.Gly306Glu)

Gene: LMF1 (lipase maturation factor 1; minus strand). Cytogenetic location: 16p13.3.
Variant type: single nucleotide variant.
Coding change: c.917G>A on transcript NM_022773.4 (MANE Select); coding-DNA position 917, G replaced by A.
Protein change: p.Gly306Glu; replaces glycine 306 with glutamic acid.
Molecular consequence: missense variant. On other transcripts: non-coding transcript variant (1).
Genome position (GRCh38, 1-based): chr16:871,322, C>T on the plus strand (G>A on the coding strand, the complement: LMF1 is on the minus strand). VCF-style: chr16-871322-C-T. GRCh37 (hg19) VCF-style: chr16-921322-C-T.
Other names: c.266G>A, p.Gly89Glu (NM_001352017.2, NM_001352021.2); c.518G>A, p.Gly173Glu (NM_001352018.2); c.590G>A, p.Gly197Glu (NM_001352019.2); c.917G>A, p.Gly306Glu (NM_001352020.1); short protein forms G306E, G197E, G89E, G173E.
Identifiers: ClinVar variation 3538662 (VCV003538662.1).